The following is an entry in ClinVar:

NM_001367624.2(ZNF469):c.5915G>T (p.Gly1972Val)

Gene: ZNF469 (zinc finger protein 469; plus strand). Cytogenetic location: 16q24.2.
Variant type: single nucleotide variant.
Coding change: c.5915G>T on transcript NM_001367624.2 (MANE Select); coding-DNA position 5915, G replaced by T.
Protein change: p.Gly1972Val; replaces glycine 1972 with valine.
Molecular consequence: missense variant.
Genome position (GRCh38, 1-based): chr16:88,433,385, G>T. VCF-style: chr16-88433385-G-T. GRCh37 (hg19) VCF-style: chr16-88499793-G-T.
Other names: NM_001127464.1:c.5831G>T; NM_001127464.2:c.5831G>T; p.Gly1972Val; short protein forms G1972V.
Identifiers: ClinVar variation 871979 (VCV000871979.49), dbSNP rs573931575, ClinGen allele CA286381028.

ClinVar aggregate classification (germline): Conflicting classifications of pathogenicity. Review status: criteria provided, conflicting classifications (1 of 4 stars). 8 submissions from 8 submitters: Uncertain significance (5); Benign (1); Likely benign (1). 1 of the submissions does not count toward it. Last evaluated 2026-02-13.

Conditions:
Brittle cornea syndrome 1 (BCS1). Also called: Corneal fragility keratoglobus, blue sclerae AND joint hypermobility; DYSGENESIS MESODERMALIS CORNEAE ET SCLERAE; CORNEAL FRAGILITY, KERATOGLOBUS, BLUE SCLERAE, JOINT HYPEREXTENSIBILITY; EDS6B; FRAGILITAS OCULI WITH JOINT HYPEREXTENSIBILITY. Identifiers: Orphanet 90354, MedGen C0268344, MONDO:0024543, OMIM 229200.
Cardiovascular phenotype. Identifiers: MedGen CN230736.
ZNF469-related disorder. Also called: ZNF469-related condition.

Allele frequency attached by ClinVar (database versions not stated): gnomAD exomes 0.00009 and 0.00014; gnomAD 0.00021 and 0.00023; TOPMed 0.00022.
gnomAD v4.1: 226 of 1,550,224 alleles (0.015%); highest among the groups gnomAD compares: Admixed American, 0.02%; no homozygotes.

Submissions (8):

Women's Health and Genetics/Laboratory Corporation of America, LabCorp
Classification: Uncertain significance. Last evaluated: 2026-02-13. Review status: criteria provided, single submitter. Criteria: LabCorp Variant Classification Summary - May 2015. Collection method: clinical testing. Allele origin: germline.
Comment: Variant summary: ZNF469 c.5915G>T (p.Gly1972Val) results in a non-conservative amino acid change in the encoded protein sequence. Algorithms developed to predict the effect of missense changes on protein structure and function are either unavailable or do not agree on the potential impact of this missense change. The variant allele was found at a frequency of 9.1e-05 in 153122 control chromosomes. This frequency is not significantly higher than estimated for disease-causing variants in ZNF469, allowing no conclusion about variant significance. To our knowledge, no occurrence of c.5915G>T in individuals affected with ZNF469-related conditions and no experimental evidence demonstrating its impact on protein function have been reported. ClinVar contains an entry for this variant (Variation ID: 871979). Based on the evidence outlined above, the variant was classified as uncertain significance.

Mayo Clinic Laboratories, Mayo Clinic
Classification: Likely benign. Last evaluated: 2025-09-25. Review status: criteria provided, single submitter. Criteria: ACMG Guidelines, 2015. Collection method: clinical testing. Allele origin: germline. Observed: 1 variant allele.
Comment: BS1, BP4_moderate

Ambry Genetics
Classification: Benign for Cardiovascular phenotype. Last evaluated: 2024-02-23. Review status: criteria provided, single submitter. Criteria: Ambry Variant Classification Scheme 2023. Collection method: clinical testing. Allele origin: germline.

GeneDx
Classification: Uncertain significance. Last evaluated: 2023-03-14. Review status: criteria provided, single submitter. Criteria: GeneDx Variant Classification Process June 2021. Collection method: clinical testing. Allele origin: germline. Affected: yes.
Comment: In silico analysis supports that this missense variant does not alter protein structure/function; Has not been previously published as pathogenic or benign to our knowledge

Labcorp Genetics (formerly Invitae), Labcorp
Classification: Uncertain significance. Last evaluated: 2022-10-18. Review status: criteria provided, single submitter. Criteria: Invitae Variant Classification Sherloc (09022015). Collection method: clinical testing. Allele origin: germline.
Comment: This sequence change replaces glycine, which is neutral and non-polar, with valine, which is neutral and non-polar, at codon 1944 of the ZNF469 protein (p.Gly1944Val). This variant is present in population databases (rs573931575, gnomAD 0.03%). This variant has not been reported in the literature in individuals affected with ZNF469-related conditions. ClinVar contains an entry for this variant (Variation ID: 871979). Algorithms developed to predict the effect of missense changes on protein structure and function (SIFT, PolyPhen-2, Align-GVGD) all suggest that this variant is likely to be tolerated. In summary, the available evidence is currently insufficient to determine the role of this variant in disease. Therefore, it has been classified as a Variant of Uncertain Significance.

Department of Pathology and Laboratory Medicine, Sinai Health System
Classification: Uncertain significance for Brittle cornea syndrome 1. Last evaluated: 2022-03-02. Review status: criteria provided, single submitter. Criteria: ACMG Guidelines, 2015. Collection method: research. Allele origin: germline.

CeGaT Center for Human Genetics Tuebingen
Classification: Uncertain significance. Last evaluated: 2019-08-01. Review status: criteria provided, single submitter. Criteria: CeGaT Center For Human Genetics Tuebingen Variant Classification Criteria Version 2. Collection method: clinical testing. Allele origin: germline. Affected: yes. Observed: 1 variant allele.

PreventionGenetics, part of Exact Sciences
Classification: Uncertain significance for ZNF469-related condition. Last evaluated: 2024-08-14. Review status: no assertion criteria provided. Collection method: clinical testing. Allele origin: germline. Not counted in ClinVar's aggregate classification.
Comment: The ZNF469 c.5831G>T variant is predicted to result in the amino acid substitution p.Gly1944Val. To our knowledge, this variant has not been reported in the literature. This variant is reported in 0.027% of alleles in individuals of European (Non-Finnish) descent in gnomAD. At this time, the clinical significance of this variant is uncertain due to the absence of conclusive functional and genetic evidence.